The following is an entry in ClinVar:

ClinVar aggregate classification (germline): Conflicting classifications of pathogenicity. Review status: criteria provided, conflicting classifications (1 of 4 stars). 5 submissions from 5 submitters: Uncertain significance (2); Likely benign (3). Last evaluated 2022-09-07.

Conditions:
Inborn genetic diseases. Identifiers: MedGen C0950123, MeSH D030342.
Bartter disease type 2. Also called: HYPOKALEMIC ALKALOSIS WITH HYPERCALCIURIA 2, ANTENATAL; HYPERPROSTAGLANDIN E SYNDROME 2; Bartter syndrome, type 2, antenatal. Identifiers: Orphanet 112, Orphanet 620220, MedGen C1855849, MONDO:0009424, OMIM 241200.

Allele frequency attached by ClinVar (database versions not stated): 1000 Genomes Project 30x 0.00031; 1000 Genomes Project 0.00040; gnomAD 0.00074 and 0.00078; TOPMed 0.00081; ESP Exome Variant Server 0.00146.
gnomAD v4.1: 227 of 1,613,726 alleles (0.014%); highest among the groups gnomAD compares: African/African-American, 0.23%; no homozygotes.

Submissions (5):

Labcorp Genetics (formerly Invitae), Labcorp
Classification: Uncertain significance. Last evaluated: 2022-09-07. Review status: criteria provided, single submitter. Criteria: Invitae Variant Classification Sherloc (09022015). Collection method: clinical testing. Allele origin: germline.
Comment: This sequence change replaces arginine, which is basic and polar, with cysteine, which is neutral and slightly polar, at codon 188 of the KCNJ1 protein (p.Arg188Cys). This variant is present in population databases (rs138120505, gnomAD 0.3%). This missense change has been observed in individual(s) with clinical features of Bartter syndrome (PMID: 19096086). ClinVar contains an entry for this variant (Variation ID: 225398). Algorithms developed to predict the effect of missense changes on protein structure and function output the following: SIFT: "Deleterious"; PolyPhen-2: "Benign"; Align-GVGD: "Class C0". The cysteine amino acid residue is found in multiple mammalian species, which suggests that this missense change does not adversely affect protein function. In summary, the available evidence is currently insufficient to determine the role of this variant in disease. Therefore, it has been classified as a Variant of Uncertain Significance.

Women's Health and Genetics/Laboratory Corporation of America, LabCorp
Classification: Likely benign. Last evaluated: 2022-03-28. Review status: criteria provided, single submitter. Criteria: LabCorp Variant Classification Summary - May 2015. Collection method: clinical testing. Allele origin: germline.
Comment: Variant summary: KCNJ1 c.562C>T (p.Arg188Cys) results in a non-conservative amino acid change in the encoded protein sequence. Four of five in-silico tools predict a damaging effect of the variant on protein function. The variant allele was found at a frequency of 0.00024 in 249916 control chromosomes, predominantly at a frequency of 0.003 within the African or African-American subpopulation in the gnomAD database. The observed variant frequency within African or African-American control individuals in the gnomAD database is approximately 2.7 fold of the estimated maximal expected allele frequency for a pathogenic variant in KCNJ1 causing Bartter Syndrome, Type 2 phenotype (0.0011), strongly suggesting that the variant is a benign polymorphism found primarily in populations of African or African-American origin. c.562C>T has been reported in the literature as a heterozygous non-informative (second allele not specified) genotype in at-least one individual of Congolese ethnic origin (African subcontinent) reportedly affected with neonatal Bartter Syndrome, Type 2 (example, Brochard_2009). These report(s) do not provide unequivocal conclusions about association of the variant with Bartter Syndrome, Type 2. To our knowledge, no experimental evidence demonstrating an impact on protein function has been reported. Two clinical diagnostic laboratories have submitted clinical-significance assessments for this variant to ClinVar after 2014 without evidence for independent evaluation. One laboratory classified the variant as likely benign and one laboratory classified the variant as uncertain significance. Based on the evidence outlined above, the variant was classified as likely benign.

Ambry Genetics
Classification: Likely benign for Inborn genetic diseases. Last evaluated: 2022-02-25. Review status: criteria provided, single submitter. Criteria: Ambry Variant Classification Scheme 2023. Collection method: clinical testing. Allele origin: germline.

Athena Diagnostics
Classification: Likely benign. Last evaluated: 2016-12-14. Review status: criteria provided, single submitter. Criteria: Athena Diagnostics Criteria. Collection method: clinical testing. Allele origin: germline.

Soonchunhyang University Bucheon Hospital, Soonchunhyang University Medical Center
Classification: Uncertain significance for Bartter disease type 2. Last evaluated: 2016-03-18. Review status: criteria provided, single submitter. Criteria: ACMG Guidelines, 2015. Collection method: reference population. Allele origin: germline. Observed: 1 variant allele.

Literature cited by the submitters: PubMed 19096086 (cited by 4 submitters).

NM_153766.3(KCNJ1):c.505C>T (p.Arg169Cys)

Gene: KCNJ1 (potassium inwardly rectifying channel subfamily J member 1; minus strand). Cytogenetic location: 11q24.3.
Variant type: single nucleotide variant.
Coding change: c.505C>T on transcript NM_153766.3 (MANE Select); coding-DNA position 505, C replaced by T.
Protein change: p.Arg169Cys; replaces arginine 169 with cysteine.
Molecular consequence: missense variant.
Genome position (GRCh38, 1-based): chr11:128,839,739, G>A on the plus strand (C>T on the coding strand, the complement: KCNJ1 is on the minus strand). VCF-style: chr11-128839739-G-A. GRCh37 (hg19) VCF-style: chr11-128709634-G-A.
Other names: c.562C>T, p.Arg188Cys (NM_000220.6); c.505C>T, p.Arg169Cys (NM_153764.3, NM_153767.4); c.556C>T, p.Arg186Cys (NM_153765.3); short protein forms R169C, R188C, R186C.
Identifiers: ClinVar variation 225398 (VCV000225398.8), dbSNP rs138120505, ClinGen allele CA6357505.
Genomic context (GRCh38, chr11:128,839,739, plus strand): 5'-AAAGCTTCCCTCCCCGTTTGCTGATCACTGCGTTCTTGCTGAACGTAATGGTCTTGGCAC[G>A]TTTTTTGGGCCTGGAGATCTTGGCTAAGATGGCCCCACACATGAAAGAATTGATTATAAC-3'
Protein context (NP_722450.1, residues 159-179): ILAKISRPKK[Arg169Cys]AKTITFSKNA